The following is an entry in ClinVar:

ClinVar aggregate classification (germline): Benign (1 of 4 stars; one submission).

Submission:

Athena Diagnostics
Classification: Benign. Last evaluated: 2024-12-24. Review status: criteria provided, single submitter. Criteria: Athena Diagnostics Criteria. Collection method: clinical testing. Allele origin: unknown.
Comment: The frequency of this variant in the general population is higher than would generally be expected for pathogenic variants in this gene. Computational tools yielded predictions that this variant is unlikely to have an effect on normal RNA splicing. This nucleotide position exhibits low evolutionary conservation.

NM_016381.3:c.627T>C

Variant type: single nucleotide variant.
Identifiers: ClinVar variation 4682428 (VCV004682428.1).